The following is an entry in ClinVar:

ClinVar aggregate classification (germline): Uncertain significance (1 of 4 stars; one submission).

Conditions:
Neurofibromatosis, type 1 (NF1). Also called: VON RECKLINGHAUSEN DISEASE; Peripheral type neurofibromatosis; Neurofibromatosis, type I; NEUROFIBROMATOSIS, TYPE I, SOMATIC. Identifiers: Orphanet 636, MedGen C0027831, MONDO:0018975, OMIM 162200. Disease mechanism: loss of function.

Submission:

Labcorp Genetics (formerly Invitae), Labcorp
Classification: Uncertain significance for Neurofibromatosis, type 1. Last evaluated: 2025-01-14. Review status: criteria provided, single submitter. Criteria: Invitae Variant Classification Sherloc (09022015). Collection method: clinical testing. Allele origin: germline.
Comment: This sequence change replaces isoleucine, which is neutral and non-polar, with threonine, which is neutral and polar, at codon 1890 of the NF1 protein (p.Ile1890Thr). This variant is not present in population databases (gnomAD no frequency). This variant has not been reported in the literature in individuals affected with NF1-related conditions. ClinVar contains an entry for this variant (Variation ID: 1350387). Invitae Evidence Modeling of protein sequence and biophysical properties (such as structural, functional, and spatial information, amino acid conservation, physicochemical variation, residue mobility, and thermodynamic stability) indicates that this missense variant is expected to disrupt NF1 protein function with a positive predictive value of 95%. In summary, the available evidence is currently insufficient to determine the role of this variant in disease. Therefore, it has been classified as a Variant of Uncertain Significance.

NM_001042492.3(NF1):c.5732T>C (p.Ile1911Thr)

Gene: NF1 (neurofibromin 1; plus strand). Cytogenetic location: 17q11.2.
Variant type: single nucleotide variant.
Coding change: c.5732T>C on transcript NM_001042492.3 (MANE Select); coding-DNA position 5732, T replaced by C.
Protein change: p.Ile1911Thr; replaces isoleucine 1911 with threonine.
Molecular consequence: missense variant.
Genome position (GRCh38, 1-based): chr17:31,330,418, T>C. VCF-style: chr17-31330418-T-C. GRCh37 (hg19) VCF-style: chr17-29657436-T-C.
Other names: c.5669T>C, p.Ile1890Thr (NM_000267.4); short protein forms I1911T, I1890T.
Identifiers: ClinVar variation 1350387 (VCV001350387.8), dbSNP rs1597834839, ClinGen allele CA399010353.